The following is an entry in ClinVar:

NM_016156.6(MTMR2):c.1118A>G (p.Asn373Ser)

Gene: MTMR2 (myotubularin related protein 2; minus strand). Cytogenetic location: 11q21.
Variant type: single nucleotide variant.
Coding change: c.1118A>G on transcript NM_016156.6 (MANE Select); coding-DNA position 1118, A replaced by G.
Protein change: p.Asn373Ser; replaces asparagine 373 with serine.
Molecular consequence: missense variant.
Genome position (GRCh38, 1-based): chr11:95,847,775, T>C on the plus strand (A>G on the coding strand, the complement: MTMR2 is on the minus strand). VCF-style: chr11-95847775-T-C. GRCh37 (hg19) VCF-style: chr11-95580939-T-C.
Other names: c.902A>G, p.Asn301Ser (NM_001243571.2, NM_201278.3, NM_201281.3); short protein forms N301S, N373S.
Identifiers: ClinVar variation 649991 (VCV000649991.8), dbSNP rs778906960, ClinGen allele CA6240098.

ClinVar aggregate classification (germline): Uncertain significance (1 of 4 stars; one submission).

Conditions:
Charcot-Marie-Tooth disease type 4. Also called: Charcot-Marie-Tooth disease, type IV; Charcot-Marie-Tooth, Type 4. Identifiers: Orphanet 64749, MedGen C4082197, MONDO:0018995.

Allele frequency attached by ClinVar (database versions not stated): gnomAD exomes below 0.00001 and 0.00001; ExAC 0.00002.
gnomAD v4.1: 7 of 1,613,676 alleles (0.00043%); highest among the groups gnomAD compares: South Asian, 0.0055%; no homozygotes.

Submission:

Labcorp Genetics (formerly Invitae), Labcorp
Classification: Uncertain significance for Charcot-Marie-Tooth disease type 4. Last evaluated: 2022-09-13. Review status: criteria provided, single submitter. Criteria: Invitae Variant Classification Sherloc (09022015). Collection method: clinical testing. Allele origin: germline.
Comment: ClinVar contains an entry for this variant (Variation ID: 649991). This variant has not been reported in the literature in individuals affected with MTMR2-related conditions. This variant is present in population databases (rs778906960, gnomAD 0.0009%). This sequence change replaces asparagine, which is neutral and polar, with serine, which is neutral and polar, at codon 373 of the MTMR2 protein (p.Asn373Ser). In summary, the available evidence is currently insufficient to determine the role of this variant in disease. Therefore, it has been classified as a Variant of Uncertain Significance. Advanced modeling of protein sequence and biophysical properties (such as structural, functional, and spatial information, amino acid conservation, physicochemical variation, residue mobility, and thermodynamic stability) performed at Invitae indicates that this missense variant is not expected to disrupt MTMR2 protein function.